The following is an entry in ClinVar:

ClinVar aggregate classification (germline): Benign/Likely benign. Review status: criteria provided, multiple submitters, no conflicts (2 of 4 stars). 6 submissions from 6 submitters: Benign (1); Likely benign (5). Last evaluated 2026-03-12.

Conditions:
Cardiomyopathy (CMYO). Also called: Cardiomyopathies. Identifiers: Orphanet 167848, MedGen C0878544, MONDO:0004994, HP:0001638. Inheritance: Various modes of inheritance.
Hypertrophic cardiomyopathy. Also called: HYPERTROPHIC MYOCARDIOPATHY. Identifiers: Orphanet 217569, MedGen C0007194, MeSH D002312, MONDO:0005045, HP:0001639.
Cardiovascular phenotype. Identifiers: MedGen CN230736.

Allele frequency attached by ClinVar (database versions not stated): TOPMed 0.00001; gnomAD exomes 0.00007 and 0.00020; 1000 Genomes Project 0.00020; gnomAD 0.00020 and 0.00021; ExAC 0.00021; 1000 Genomes Project 30x 0.00031.
gnomAD v4.1: 132 of 1,614,260 alleles (0.0082%); highest among the groups gnomAD compares: East Asian, 0.02%; no homozygotes.

Submissions (6):

Ambry Genetics
Classification: Likely benign for Cardiovascular phenotype. Last evaluated: 2026-03-12. Review status: criteria provided, single submitter. Criteria: Ambry Variant Classification Scheme 2023. Collection method: clinical testing. Allele origin: germline.

Labcorp Genetics (formerly Invitae), Labcorp
Classification: Benign for Hypertrophic cardiomyopathy. Last evaluated: 2025-08-09. Review status: criteria provided, single submitter. Criteria: Invitae Variant Classification Sherloc (09022015). Collection method: clinical testing. Allele origin: germline.

Blueprint Genetics
Classification: Likely benign. Last evaluated: 2024-06-10. Review status: criteria provided, single submitter. Criteria: ACMG Guidelines, 2015. Collection method: clinical testing. Allele origin: germline.

All of Us Research Program, National Institutes of Health
Classification: Likely benign for Cardiomyopathy. Last evaluated: 2023-12-15. Review status: criteria provided, single submitter. Criteria: ACMG Guidelines, 2015. Collection method: clinical testing. Allele origin: germline. Inheritance: Autosomal dominant inheritance. Observed: 5 variant alleles, 5 heterozygotes.
Comment: This study involves interpretation of variants in research participants for the purpose of population health screening. Participant phenotype was not available at the time of variant classification. Additional details can be found in publication PMID: 35346344, PMCID: PMC8962531

Color Diagnostics, LLC DBA Color Health
Classification: Likely benign for Cardiomyopathy. Last evaluated: 2023-06-07. Review status: criteria provided, single submitter. Criteria: ACMG Guidelines, 2015. Collection method: clinical testing. Allele origin: germline.

GeneDx
Classification: Likely benign. Last evaluated: 2021-03-23. Review status: criteria provided, single submitter. Criteria: GeneDx Variant Classification Process June 2021. Collection method: clinical testing. Allele origin: germline. Affected: yes.

NM_000257.4(MYH7):c.84C>G (p.Thr28=)

Gene: MYH7 (myosin heavy chain 7; minus strand). Cytogenetic location: 14q11.2.
Variant type: single nucleotide variant.
Coding change: c.84C>G on transcript NM_000257.4 (MANE Select); coding-DNA position 84, C replaced by G.
Protein change: p.Thr28=; no amino-acid change (threonine 28 retained).
Molecular consequence: synonymous variant.
Genome position (GRCh38, 1-based): chr14:23,433,649, G>C on the plus strand (C>G on the coding strand, the complement: MYH7 is on the minus strand). VCF-style: chr14-23433649-G-C. GRCh37 (hg19) VCF-style: chr14-23902858-G-C.
Other names: c.84C>G (LRG_384t1).
Identifiers: ClinVar variation 380704 (VCV000380704.15), dbSNP rs200930470, ClinGen allele CA049375.